The following is an entry in ClinVar:

ClinVar aggregate classification (germline): Uncertain significance (1 of 4 stars; one submission).

gnomAD v4.1: 1 of 1,211,855 alleles (0.000083%); highest among the groups gnomAD compares: Admixed American, 0.0022%; no homozygotes.

Submission:

Labcorp Genetics (formerly Invitae), Labcorp
Classification: Uncertain significance. Last evaluated: 2025-10-01. Review status: criteria provided, single submitter. Criteria: Invitae Variant Classification Sherloc (09022015). Collection method: clinical testing. Allele origin: germline.
Comment: This sequence change replaces tyrosine, which is neutral and polar, with phenylalanine, which is neutral and non-polar, at codon 445 of the AMER1 protein (p.Tyr445Phe). This variant is present in population databases (no rsID available, gnomAD 0.004%). This variant has not been reported in the literature in individuals affected with AMER1-related conditions. ClinVar contains an entry for this variant (Variation ID: 3683113). An algorithm developed to predict the effect of missense changes on protein structure and function (PolyPhen-2) suggests that this variant is likely to be disruptive. In summary, the available evidence is currently insufficient to determine the role of this variant in disease. Therefore, it has been classified as a Variant of Uncertain Significance.

NM_152424.4(AMER1):c.1334A>T (p.Tyr445Phe)

Gene: AMER1 (APC membrane recruitment protein 1; minus strand). Cytogenetic location: Xq11.2.
Variant type: single nucleotide variant.
Coding change: c.1334A>T on transcript NM_152424.4 (MANE Select); coding-DNA position 1334, A replaced by T.
Protein change: p.Tyr445Phe; replaces tyrosine 445 with phenylalanine.
Molecular consequence: missense variant.
Genome position (GRCh38, 1-based): chrX:64,191,953, T>A on the plus strand (A>T on the coding strand, the complement: AMER1 is on the minus strand). VCF-style: chrX-64191953-T-A. GRCh37 (hg19) VCF-style: chrX-63411833-T-A.
Other names: short protein forms Y445F.
Identifiers: ClinVar variation 3683113 (VCV003683113.2).